The following is an entry in ClinVar:

ClinVar aggregate classification (germline): Pathogenic/Likely pathogenic. Review status: criteria provided, multiple submitters, no conflicts (2 of 4 stars). 17 submissions from 17 submitters: Pathogenic (10); Likely pathogenic (3). 4 of the submissions do not count toward it. Last evaluated 2025-07-31.

Conditions:
PURA-related disorder. Also called: PURA-related condition.
PURA Syndrome. Identifiers: MedGen C4708498.
Inborn genetic diseases. Identifiers: MedGen C0950123, MeSH D030342.
PURA-related severe neonatal hypotonia-seizures-encephalopathy syndrome (NEDRIHF). Also called: NEURODEVELOPMENTAL DISORDER WITH NEONATAL RESPIRATORY INSUFFICIENCY, HYPOTONIA, AND FEEDING DIFFICULTIES; PURA-Related Neurodevelopmental Disorders. Identifiers: Orphanet 438213, Orphanet 438216, MedGen C4015357, MONDO:1060108, OMIM 616158, MONDO:0018580.

Submissions 1 to 12 of 17:

3billion
Classification: Pathogenic for PURA-related severe neonatal hypotonia-seizures-encephalopathy syndrome. Last evaluated: 2025-07-31. Review status: criteria provided, single submitter. Criteria: ACMG Guidelines, 2015. Collection method: clinical testing. Allele origin: germline. Affected: yes.
Comment: The variant is not observed in the gnomAD v4.1.0 dataset. Predicted Consequence/Location: Inframe deletion located in a nonrepeat region: predicted to change the length of the protein and disrupt normal protein function. The variant has been previously reported as de novo in at least two similarly affected unrelated individuals (PMID: 25342064, 27148565, 28726809, 29097605, 29150892). The variant has been reported at least twice as pathogenic with clinical assertions and evidence for the classification (ClinVar ID: VCV000189319 /PMID: 25342064 /3billion dataset). Therefore, this variant is classified as Pathogenic according to the recommendation of ACMG/AMP guideline.

Labcorp Genetics (formerly Invitae), Labcorp
Classification: Pathogenic for PURA-related severe neonatal hypotonia-seizures-encephalopathy syndrome. Last evaluated: 2024-12-05. Review status: criteria provided, single submitter. Criteria: Invitae Variant Classification Sherloc (09022015). Collection method: clinical testing. Allele origin: germline.
Comment: This variant, c.697_699del, results in the deletion of 1 amino acid(s) of the PURA protein (p.Phe233del), but otherwise preserves the integrity of the reading frame. This variant is not present in population databases (gnomAD no frequency). This variant has been observed in individual(s) with developmental delay, cortical visual impairment, and hypotonia (PMID: 25342064, 27148565). In at least one individual the variant was observed to be de novo. ClinVar contains an entry for this variant (Variation ID: 189319). Experimental studies and prediction algorithms are not available or were not evaluated, and the functional significance of this variant is currently unknown. For these reasons, this variant has been classified as Pathogenic.

Revvity Omics, Revvity
Classification: Pathogenic for PURA-related severe neonatal hypotonia-seizures-encephalopathy syndrome. Last evaluated: 2024-11-19. Review status: criteria provided, single submitter. Criteria: ACMG Guidelines, 2015. Collection method: clinical testing. Allele origin: germline.

Genomic Medicine Center of Excellence, King Faisal Specialist Hospital and Research Centre
Classification: Likely pathogenic for PURA-related severe neonatal hypotonia-seizures-encephalopathy syndrome. Last evaluated: 2024-04-04. Review status: criteria provided, single submitter. Criteria: ACMG Guidelines, 2015. Collection method: clinical testing. Allele origin: germline.

Blueprint Genetics
Classification: Pathogenic for PURA-related disorders. Last evaluated: 2023-10-05. Review status: criteria provided, single submitter. Criteria: ACMG Guidelines, 2015. Collection method: clinical testing. Allele origin: germline. Affected: yes. Observed: 2 variant alleles.

GeneDx
Classification: Pathogenic. Last evaluated: 2022-03-11. Review status: criteria provided, single submitter. Criteria: GeneDx Variant Classification Process June 2021. Collection method: clinical testing. Allele origin: germline. Affected: yes.
Comment: In-frame deletion of 1 amino acid in a non-repeat region; In silico analysis, which includes protein predictors and evolutionary conservation, supports a deleterious effect; Not observed in large population cohorts (gnomAD); This variant is associated with the following publications: (PMID: 27148565, 25342064, 29150892, 28726809, 31028937, 29097605, 31273778, 33275834)

CeGaT Center for Human Genetics Tuebingen
Classification: Pathogenic. Last evaluated: 2021-03-01. Review status: criteria provided, single submitter. Criteria: CeGaT Center For Human Genetics Tuebingen Variant Classification Criteria Version 2. Collection method: clinical testing. Allele origin: germline. Affected: yes. Observed: 4 variant alleles.

Institute of Medical Genetics and Applied Genomics, University Hospital Tübingen
Classification: Likely pathogenic. Last evaluated: 2020-10-23. Review status: criteria provided, single submitter. Criteria: ACMG Guidelines, 2015. Collection method: clinical testing. Allele origin: germline. Inheritance: Unknown mechanism. Affected: yes.

Women's Health and Genetics/Laboratory Corporation of America, LabCorp
Classification: Pathogenic for Mental retardation, autosomal dominant 31. Last evaluated: 2019-06-27. Review status: criteria provided, single submitter. Criteria: LabCorp Variant Classification Summary - May 2015. Collection method: clinical testing. Allele origin: germline.
Comment: Variant summary: PURA c.697_699delTTC (p.Phe233del) results in an in-frame deletion that is predicted to remove the third Phenylalanine in a run of three Phenylalanines located in the "presumed functional domain of PURA which is necessary for homodimerisation in crystallography studies (Hunt_2014). " The variant was absent in 251468 control chromosomes (gnomAD). c.697_699delTTC has been reported in the literature in multiple individuals affected with mental retardation and delays in cognitive development (Hunt_2014, Tanaka_2015, Strauss_2017, Lee_2018, Reijnders_2018). All the patients presented the mutation as a de novo occurrence. These data indicate that the variant is very likely to be associated with disease. To our knowledge, no experimental evidence demonstrating an impact on protein function has been reported. Three ClinVar submissions (evaluation after 2014) cite the variant as pathogenic. Based on the evidence outlined above, the variant was classified as pathogenic.

Ambry Genetics
Classification: Likely pathogenic for Inborn genetic diseases. Last evaluated: 2017-10-24. Review status: criteria provided, single submitter. Criteria: Ambry exome assertion method (8-5-2015). Collection method: clinical testing. Allele origin: germline. Affected: yes. Observed: 1 variant allele.

Division of Biology and Genetics, University of Brescia
Classification: Pathogenic for PURA-related severe neonatal hypotonia-seizures-encephalopathy syndrome. Review status: criteria provided, single submitter. Criteria: ACMG Guidelines, 2015. Collection method: clinical testing. Allele origin: de novo. Inheritance: Autosomal dominant inheritance. Affected: yes. Observed: 1 heterozygote.
Comment: The Phe233del variant in PURA has been reported in 8 patients with autosomal dominat PURA syndrome, characterized by moderate to severe intellectual disability (ID) and several early-onset issues including motor delay, hypotonia, feeding difficulties, hyperthermia, hypersomnolence, hypoventilation/apneas, speech delay and abnormal nonepileptic movements. Other less common manifestations include congenital heart defects, skeletal, urogenital, ophthalmological, gastrointestinal, and endocrine abnormalities; soft skin was also described as well as craniofacial dysmorphism (Reijnders et al., 1993; Hunt et al., 2014; Tanaka et al., 2015; Reijnders et al., 2018; Lee et al., 2018). p.Phe233del falls in the third PUR domain that mediate dimerization, and is predicted to cause local folding defects (Reijnders et al., 2018). Its putative pathogenicy was estimated through 3 different in silico prediction algorithms (SIFT, PROVEAN, MutPred Indel) that agreed to define p.phe233del as pathogenetic

Lifecell International Pvt. Ltd
Classification: Pathogenic for PURA-related severe neonatal hypotonia-seizures-encephalopathy syndrome. Review status: criteria provided, single submitter. Criteria: ACMG Guidelines, 2015. Collection method: clinical testing. Allele origin: germline. Inheritance: Autosomal dominant inheritance. Affected: yes. Observed: 1 heterozygote.
Comment: A Heterozygous Inframe indel variant c.690_692delCTT in Exon 1 of the PURA gene that results in the amino acid substitution p.Phe231del was identified. The observed variant is novel in gnomAD exomes and genomes, respectively. The severity of the impact of this variant on the protein is medium, based on the effect of the protein and REVEL score . Rare Exome Variant Ensemble Learner (REVEL) is an ensembl method for predicting the pathogenicity of missense variants based on a combination of scores from 13 individual tools: MutPred, FATHMM v2.3, VEST 3.0, PolyPhen-2, SIFT, PROVEAN, MutationAssessor, MutationTaster, LRT, GERP++, SiPhy, phyloP, and phastCons. The REVEL score for an individual missense variant can range from 0 to 1, with higher scores reflecting greater likelihood that the variant is disease-causing. ClinVar has also classified this variant as Pathogenic/LikelyPathogenic (ClinVar ID: 189319). The Phe233del variant in PURA has been reported in 8 patients with autosomal dominat PURA syndrome, characterized by moderate to severe intellectual disability (ID) and several early-onset issues including motor delay, hypotonia, feeding difficulties, hyperthermia, hypersomnolence, hypoventilation/apneas, speech delay and abnormal nonepileptic movements. p.Phe233del falls in the third PUR domain that mediate dimerization, and is predicted to cause local folding defects (Reijnders MRF et al., 2018 and Hunt D et al., 2014). Based on the above evidence this variant has been classified as Pathogenic according to the ACMG guidelines.

NM_005859.5(PURA):c.691TTC[2] (p.Phe233del)

Gene: PURA (purine rich element binding protein A; plus strand). Cytogenetic location: 5q31.3.
Variant type: Microsatellite.
Coding change: c.691TTC[2] on transcript NM_005859.5 (MANE Select); two copies in a row of the 3-base unit TTC starting at c.691; the reference has three copies in a row; one copy, 3 bases deleted; also written c.697_699del.
Protein change: p.Phe233del; deletes phenylalanine 233.
Molecular consequence: inframe deletion.
Genome position (GRCh38, 1-based): chr5:140,114,878-140,114,880, TTC deleted; deleting any 3 consecutive bases within chr5:140,114,871-140,114,880 gives the same sequence; the position shown is the placement nearest the transcript's 3' end. VCF-style (leftmost placement, unchanged base first): chr5-140114870-GCTT-G. GRCh37 (hg19) VCF-style: chr5-139494455-GCTT-G.
Other names: c.697_699del (NM_005859.4, NM_005859.5); c.690_692delCTT (NM_005859.5); short protein forms F233del.
Identifiers: ClinVar variation 189319 (VCV000189319.66), dbSNP rs786204835, ClinGen allele CA199218.